The following is an entry in ClinVar:

ClinVar aggregate classification (germline): Uncertain significance. Review status: criteria provided, multiple submitters, no conflicts (2 of 4 stars). 2 submissions from 2 submitters: Uncertain significance (2). Last evaluated 2025-06-06.

Conditions:
Inborn genetic diseases. Identifiers: MedGen C0950123, MeSH D030342.
Spondyloepiphyseal dysplasia with congenital joint dislocations (SEDCJD). Also called: Chondrodysplasia with Congenital Joint Dislocations, CHST3-Related. Identifiers: Orphanet 263463, MedGen C1837657, MONDO:0007738, OMIM 143095.

gnomAD v4.1: 1 of 1,546,040 alleles (0.000065%); highest among the groups gnomAD compares: Admixed American, 0.002%; no homozygotes.

Submissions (2):

Ambry Genetics
Classification: Uncertain significance for Inborn genetic diseases. Last evaluated: 2025-06-06. Review status: criteria provided, single submitter. Criteria: Ambry Variant Classification Scheme 2023. Collection method: clinical testing. Allele origin: germline.

Labcorp Genetics (formerly Invitae), Labcorp
Classification: Uncertain significance for Spondyloepiphyseal dysplasia with congenital joint dislocations. Last evaluated: 2022-07-19. Review status: criteria provided, single submitter. Criteria: Invitae Variant Classification Sherloc (09022015). Collection method: clinical testing. Allele origin: germline.
Comment: In summary, the available evidence is currently insufficient to determine the role of this variant in disease. Therefore, it has been classified as a Variant of Uncertain Significance. Algorithms developed to predict the effect of missense changes on protein structure and function (SIFT, PolyPhen-2, Align-GVGD) all suggest that this variant is likely to be tolerated. ClinVar contains an entry for this variant (Variation ID: 1427798). This variant has not been reported in the literature in individuals affected with CHST3-related conditions. This variant is not present in population databases (gnomAD no frequency). This sequence change replaces isoleucine, which is neutral and non-polar, with leucine, which is neutral and non-polar, at codon 348 of the CHST3 protein (p.Ile348Leu).

NM_004273.5(CHST3):c.1042A>C (p.Ile348Leu)

Gene: CHST3 (carbohydrate sulfotransferase 3; plus strand). Cytogenetic location: 10q22.1.
Variant type: single nucleotide variant.
Coding change: c.1042A>C on transcript NM_004273.5 (MANE Select); coding-DNA position 1042, A replaced by C.
Protein change: p.Ile348Leu; replaces isoleucine 348 with leucine.
Molecular consequence: missense variant.
Genome position (GRCh38, 1-based): chr10:72,008,073, A>C. VCF-style: chr10-72008073-A-C. GRCh37 (hg19) VCF-style: chr10-73767831-A-C.
Other names: c.1042A>C (NM_004273.4); short protein forms I348L.
Identifiers: ClinVar variation 1427798 (VCV001427798.7), dbSNP rs2131776087, ClinGen allele CA377150437.